The following is an entry in ClinVar:

NM_000350.3(ABCA4):c.5310T>G (p.Tyr1770Ter)

Gene: ABCA4 (ATP binding cassette subfamily A member 4; minus strand). Cytogenetic location: 1p22.1.
Variant type: single nucleotide variant.
Coding change: c.5310T>G on transcript NM_000350.3 (MANE Select); coding-DNA position 5310, T replaced by G.
Protein change: p.Tyr1770Ter; replaces tyrosine 1770 with a stop codon.
Molecular consequence: nonsense.
Genome position (GRCh38, 1-based): chr1:94,015,741, A>C on the plus strand (T>G on the coding strand, the complement: ABCA4 is on the minus strand). VCF-style: chr1-94015741-A-C. GRCh37 (hg19) VCF-style: chr1-94481297-A-C.
Other names: c.5088T>G, p.Tyr1696Ter (NM_001425324.1); short protein forms Y1770*, Y1696*.
Identifiers: ClinVar variation 2109117 (VCV002109117.4), dbSNP rs2101015376, ClinGen allele CA341281550.

ClinVar aggregate classification (germline): Pathogenic (1 of 4 stars; one submission).

Submission:

Labcorp Genetics (formerly Invitae), Labcorp
Classification: Pathogenic. Last evaluated: 2024-07-25. Review status: criteria provided, single submitter. Criteria: Invitae Variant Classification Sherloc (09022015). Collection method: clinical testing. Allele origin: germline.
Comment: This sequence change creates a premature translational stop signal (p.Tyr1770*) in the ABCA4 gene. It is expected to result in an absent or disrupted protein product. Loss-of-function variants in ABCA4 are known to be pathogenic (PMID: 10958761, 24938718, 25312043, 26780318). This variant is not present in population databases (gnomAD no frequency). This variant has not been reported in the literature in individuals affected with ABCA4-related conditions. ClinVar contains an entry for this variant (Variation ID: 2109117). For these reasons, this variant has been classified as Pathogenic.

Literature cited by the submitters: PubMed 10958761; PubMed 24938718; PubMed 25312043; PubMed 26780318.